The following is an entry in ClinVar:

NM_000812.4(GABRB1):c.178C>T (p.Pro60Ser)

Gene: GABRB1 (gamma-aminobutyric acid type A receptor subunit beta1; plus strand). Cytogenetic location: 4p12.
Variant type: single nucleotide variant.
Coding change: c.178C>T on transcript NM_000812.4 (MANE Select); coding-DNA position 178, C replaced by T.
Protein change: p.Pro60Ser; replaces proline 60 with serine.
Molecular consequence: missense variant.
Genome position (GRCh38, 1-based): chr4:47,032,422, C>T. VCF-style: chr4-47032422-C-T. GRCh37 (hg19) VCF-style: chr4-47034439-C-T.
Other names: short protein forms P60S.
Identifiers: ClinVar variation 2789895 (VCV002789895.3), dbSNP rs2475085431, ClinGen allele CA356805527.

ClinVar aggregate classification (germline): Uncertain significance (1 of 4 stars; one submission).

Allele frequency attached by ClinVar (database versions not stated): gnomAD exomes below 0.00001.
gnomAD v4.1: 6 of 1,587,400 alleles (0.00038%); highest among the groups gnomAD compares: Non-Finnish European, 0.00052%; no homozygotes.

Submission:

Labcorp Genetics (formerly Invitae), Labcorp
Classification: Uncertain significance. Last evaluated: 2023-06-18. Review status: criteria provided, single submitter. Criteria: Invitae Variant Classification Sherloc (09022015). Collection method: clinical testing. Allele origin: germline.
Comment: In summary, the available evidence is currently insufficient to determine the role of this variant in disease. Therefore, it has been classified as a Variant of Uncertain Significance. Advanced modeling of protein sequence and biophysical properties (such as structural, functional, and spatial information, amino acid conservation, physicochemical variation, residue mobility, and thermodynamic stability) performed at Invitae indicates that this missense variant is not expected to disrupt GABRB1 protein function. This variant has not been reported in the literature in individuals affected with GABRB1-related conditions. This variant is not present in population databases (gnomAD no frequency). This sequence change replaces proline, which is neutral and non-polar, with serine, which is neutral and polar, at codon 60 of the GABRB1 protein (p.Pro60Ser).